The following is an entry in ClinVar:

NM_022765.4(MICAL1):c.2872C>T (p.Arg958Cys)

Gene: MICAL1 (microtubule associated monooxygenase, calponin and LIM domain containing 1; minus strand). Cytogenetic location: 6q21.
Variant type: single nucleotide variant.
Coding change: c.2872C>T on transcript NM_022765.4 (MANE Select); coding-DNA position 2872, C replaced by T.
Protein change: p.Arg958Cys; replaces arginine 958 with cysteine.
Molecular consequence: missense variant.
Genome position (GRCh38, 1-based): chr6:109,445,206, G>A on the plus strand (C>T on the coding strand, the complement: MICAL1 is on the minus strand). VCF-style: chr6-109445206-G-A. GRCh37 (hg19) VCF-style: chr6-109766409-G-A.
Other names: c.2614C>T, p.Arg872Cys (NM_001159291.2); c.2929C>T, p.Arg977Cys (NM_001286613.2); c.2872C>T (NM_022765.3); short protein forms R872C, R958C, R977C.
Identifiers: ClinVar variation 3016103 (VCV003016103.4), dbSNP rs549625953, ClinGen allele CA3952727.

ClinVar aggregate classification (germline): Uncertain significance. Review status: criteria provided, multiple submitters, no conflicts (2 of 4 stars). 2 submissions from 2 submitters: Uncertain significance (2). Last evaluated 2025-12-15.

Allele frequency attached by ClinVar (database versions not stated): gnomAD 0.00001; gnomAD exomes 0.00001; ExAC 0.00002; TOPMed 0.00003.
gnomAD v4.1: 20 of 1,613,322 alleles (0.0012%); highest among the groups gnomAD compares: East Asian, 0.011%; no homozygotes.

Submissions (2):

Ambry Genetics
Classification: Uncertain significance. Last evaluated: 2025-12-15. Review status: criteria provided, single submitter. Criteria: Ambry Variant Classification Scheme 2023. Collection method: clinical testing. Allele origin: germline.

Labcorp Genetics (formerly Invitae), Labcorp
Classification: Uncertain significance. Last evaluated: 2024-05-21. Review status: criteria provided, single submitter. Criteria: Invitae Variant Classification Sherloc (09022015). Collection method: clinical testing. Allele origin: germline.
Comment: This sequence change replaces arginine, which is basic and polar, with cysteine, which is neutral and slightly polar, at codon 977 of the MICAL1 protein (p.Arg977Cys). This variant is present in population databases (rs549625953, gnomAD 0.02%). This variant has not been reported in the literature in individuals affected with MICAL1-related conditions. An algorithm developed to predict the effect of missense changes on protein structure and function (PolyPhen-2) suggests that this variant is likely to be disruptive. Algorithms developed to predict the effect of sequence changes on RNA splicing suggest that this variant may create or strengthen a splice site. In summary, the available evidence is currently insufficient to determine the role of this variant in disease. Therefore, it has been classified as a Variant of Uncertain Significance.